The following is an entry in ClinVar:

ClinVar aggregate classification (germline): Uncertain significance (1 of 4 stars; one submission).

Conditions:
Myofibrillar myopathy 5. Also called: FILAMINOPATHY, AUTOSOMAL DOMINANT; Filaminopathy (type). Identifiers: Orphanet 171445, MedGen C1836050, MONDO:0012289, OMIM 609524.
Distal myopathy with posterior leg and anterior hand involvement. Also called: WILLIAMS DISTAL MYOPATHY. Identifiers: Orphanet 63273, MedGen C3279722, MONDO:0013550, OMIM 614065.
Hypertrophic cardiomyopathy 26. Also called: Cardiomyopathy, familial hypertrophic, 26. Identifiers: Orphanet 75249, MedGen C4310749, MONDO:0014883, OMIM 617047.

gnomAD v4.1: 1 of 1,613,908 alleles (0.000062%); highest among the groups gnomAD compares: Non-Finnish European, 0.000085%; no homozygotes.

Submission:

Labcorp Genetics (formerly Invitae), Labcorp
Classification: Uncertain significance for Distal myopathy with posterior leg and anterior hand involvement; Myofibrillar myopathy 5; Hypertrophic cardiomyopathy 26. Last evaluated: 2025-06-30. Review status: criteria provided, single submitter. Criteria: Invitae Variant Classification Sherloc (09022015). Collection method: clinical testing. Allele origin: germline.
Comment: This sequence change replaces glutamic acid, which is acidic and polar, with lysine, which is basic and polar, at codon 568 of the FLNC protein (p.Glu568Lys). This variant is present in population databases (rs368225111, gnomAD 0.007%). This variant has not been reported in the literature in individuals affected with FLNC-related conditions. Invitae Evidence Modeling of protein sequence and biophysical properties (such as structural, functional, and spatial information, amino acid conservation, physicochemical variation, residue mobility, and thermodynamic stability) has been performed for this missense variant. However, the output from this modeling did not meet the statistical confidence thresholds required to predict the impact of this variant on FLNC protein function. In summary, the available evidence is currently insufficient to determine the role of this variant in disease. Therefore, it has been classified as a Variant of Uncertain Significance.

NM_001458.5(FLNC):c.1702G>A (p.Glu568Lys)

Gene: FLNC (filamin C; plus strand). Cytogenetic location: 7q32.1.
Variant type: single nucleotide variant.
Coding change: c.1702G>A on transcript NM_001458.5 (MANE Select); coding-DNA position 1702, G replaced by A.
Protein change: p.Glu568Lys; replaces glutamic acid 568 with lysine.
Molecular consequence: missense variant.
Genome position (GRCh38, 1-based): chr7:128,840,859, G>A. VCF-style: chr7-128840859-G-A. GRCh37 (hg19) VCF-style: chr7-128480913-G-A.
Other names: c.1702G>A, p.Glu568Lys (NM_001127487.2); short protein forms E568K.
Identifiers: ClinVar variation 4812349 (VCV004812349.1).